The following is an entry in ClinVar:

NM_000018.4(ACADVL):c.1268C>A (p.Ser423Ter)

Gene: ACADVL (acyl-CoA dehydrogenase very long chain; plus strand). Cytogenetic location: 17p13.1.
Variant type: single nucleotide variant.
Coding change: c.1268C>A on transcript NM_000018.4 (MANE Select); coding-DNA position 1268, C replaced by A.
Protein change: p.Ser423Ter; replaces serine 423 with a stop codon.
Molecular consequence: nonsense.
Genome position (GRCh38, 1-based): chr17:7,223,729, C>A. VCF-style: chr17-7223729-C-A. GRCh37 (hg19) VCF-style: chr17-7127048-C-A.
Other names: c.1202C>A, p.Ser401Ter (NM_001033859.3); c.1337C>A, p.Ser446Ter (NM_001270447.2); c.1040C>A, p.Ser347Ter (NM_001270448.2); short protein forms S401*, S347*, S423*, S446*.
Identifiers: ClinVar variation 1459642 (VCV001459642.8), dbSNP rs1451455641, ClinGen allele CA397724729.

ClinVar aggregate classification (germline): Pathogenic/Likely pathogenic. Review status: criteria provided, multiple submitters, no conflicts (2 of 4 stars). 3 submissions from 3 submitters: Pathogenic (1); Likely pathogenic (2). Last evaluated 2024-03-21.

Conditions:
Very long chain acyl-CoA dehydrogenase deficiency (ACADVLD). Also called: VLCAD Deficiency; Very Long-Chain Acyl-Coenzyme A Dehydrogenase Deficiency. Identifiers: Orphanet 26793, MedGen C3887523, MONDO:0008723, OMIM 201475.

Allele frequency attached by ClinVar (database versions not stated): gnomAD 0.00001; TOPMed 0.00001.
gnomAD v4.1: 2 of 1,613,982 alleles (0.00012%); highest among the groups gnomAD compares: African/African-American, 0.0027%; no homozygotes.

Submissions (3):

Fulgent Genetics
Classification: Likely pathogenic for Very long chain acyl-CoA dehydrogenase deficiency. Last evaluated: 2024-03-21. Review status: criteria provided, single submitter. Criteria: ACMG Guidelines, 2015. Collection method: clinical testing. Allele origin: germline.

Labcorp Genetics (formerly Invitae), Labcorp
Classification: Pathogenic for Very long chain acyl-CoA dehydrogenase deficiency. Last evaluated: 2024-01-15. Review status: criteria provided, single submitter. Criteria: Invitae Variant Classification Sherloc (09022015). Collection method: clinical testing. Allele origin: germline.
Comment: This sequence change creates a premature translational stop signal (p.Ser423*) in the ACADVL gene. It is expected to result in an absent or disrupted protein product. Loss-of-function variants in ACADVL are known to be pathogenic (PMID: 9973285, 11590124). This variant is present in population databases (no rsID available, gnomAD 0.007%). This variant has not been reported in the literature in individuals affected with ACADVL-related conditions. ClinVar contains an entry for this variant (Variation ID: 1459642). For these reasons, this variant has been classified as Pathogenic.

Baylor Genetics
Classification: Likely pathogenic for Very long chain acyl-CoA dehydrogenase deficiency. Last evaluated: 2023-02-04. Review status: criteria provided, single submitter. Criteria: ACMG Guidelines, 2015. Collection method: clinical testing. Allele origin: unknown.

Literature cited by the submitters: PubMed 9973285 (cited by Labcorp Genetics (formerly Invitae), Labcorp); PubMed 11590124 (cited by Labcorp Genetics (formerly Invitae), Labcorp).